The following is an entry in ClinVar:

NM_000302.4(PLOD1):c.2082G>C (p.Lys694Asn)

Gene: PLOD1 (procollagen-lysine,2-oxoglutarate 5-dioxygenase 1; plus strand). Cytogenetic location: 1p36.22.
Variant type: single nucleotide variant.
Coding change: c.2082G>C on transcript NM_000302.4 (MANE Select); coding-DNA position 2082, G replaced by C.
Protein change: p.Lys694Asn; replaces lysine 694 with asparagine.
Molecular consequence: missense variant.
Genome position (GRCh38, 1-based): chr1:11,974,706, G>C. VCF-style: chr1-11974706-G-C. GRCh37 (hg19) VCF-style: chr1-12034763-G-C.
Other names: c.2223G>C, p.Lys741Asn (NM_001316320.2); c.2082G>C (NM_000302.3); short protein forms K741N, K694N.
Identifiers: ClinVar variation 1411966 (VCV001411966.6), dbSNP rs1645891475, ClinGen allele CA338453584.

ClinVar aggregate classification (germline): Uncertain significance. Review status: criteria provided, multiple submitters, no conflicts (2 of 4 stars). 2 submissions from 2 submitters: Uncertain significance (2). Last evaluated 2024-02-16.

Conditions:
Familial thoracic aortic aneurysm and aortic dissection (TAAD). Also called: Thoracic aortic aneurysms and dissections. Identifiers: Orphanet 91387, MedGen C4707243, MONDO:0019625.
Ehlers-Danlos syndrome, kyphoscoliotic type 1 (EDSKSCL1). Also called: EHLERS-DANLOS SYNDROME, OCULAR-SCOLIOTIC TYPE; Ehlers-Danlos syndrome, hydroxylysine-deficient; EHLERS-DANLOS SYNDROME, TYPE VIA; PLOD1-Related Kyphoscoliotic Ehlers-Danlos Syndrome. Identifiers: Orphanet 1900, MedGen C0268342, MONDO:0016002, OMIM 225400. Disease mechanism: loss of function.

Allele frequency attached by ClinVar (database versions not stated): gnomAD exomes below 0.00001; TOPMed below 0.00001.
gnomAD v4.1: 1 of 1,614,004 alleles (0.000062%); highest among the groups gnomAD compares: Non-Finnish European, 0.000085%; no homozygotes.

Submissions (2):

Ambry Genetics
Classification: Uncertain significance for Familial thoracic aortic aneurysm and aortic dissection. Last evaluated: 2024-02-16. Review status: criteria provided, single submitter. Criteria: Ambry Variant Classification Scheme 2023. Collection method: clinical testing. Allele origin: germline.
Comment: The p.K694N variant (also known as c.2082G>C), located in coding exon 19 of the PLOD1 gene, results from a G to C substitution at nucleotide position 2082. The lysine at codon 694 is replaced by asparagine, an amino acid with similar properties. This amino acid position is conserved. In addition, this alteration is predicted to be tolerated by in silico analysis. Based on the available evidence, the clinical significance of this alteration remains unclear.

Labcorp Genetics (formerly Invitae), Labcorp
Classification: Uncertain significance for Ehlers-Danlos syndrome, kyphoscoliotic type 1. Last evaluated: 2021-09-01. Review status: criteria provided, single submitter. Criteria: Invitae Variant Classification Sherloc (09022015). Collection method: clinical testing. Allele origin: germline.
Comment: This sequence change replaces lysine with asparagine at codon 694 of the PLOD1 protein (p.Lys694Asn). The lysine residue is highly conserved and there is a moderate physicochemical difference between lysine and asparagine. This variant is not present in population databases (ExAC no frequency). This variant has not been reported in the literature in individuals affected with PLOD1-related conditions. Algorithms developed to predict the effect of missense changes on protein structure and function are either unavailable or do not agree on the potential impact of this missense change (SIFT: "Tolerated"; PolyPhen-2: "Probably Damaging"; Align-GVGD: "Class C0"). In summary, the available evidence is currently insufficient to determine the role of this variant in disease. Therefore, it has been classified as a Variant of Uncertain Significance.